The following is an entry in ClinVar:

ClinVar aggregate classification (germline): Uncertain significance (1 of 4 stars; one submission).

Conditions:
Joubert syndrome 25 (JBTS25). Identifiers: Orphanet 475, MedGen C4084842, MONDO:0014770, OMIM 616781.

Allele frequency attached by ClinVar (database versions not stated): gnomAD exomes 0.00001; TOPMed 0.00002; ExAC 0.00003; gnomAD 0.00005.

Submission:

Labcorp Genetics (formerly Invitae), Labcorp
Classification: Uncertain significance for Joubert syndrome 25. Last evaluated: 2022-12-02. Review status: criteria provided, single submitter. Criteria: Invitae Variant Classification Sherloc (09022015). Collection method: clinical testing. Allele origin: germline.
Comment: This variant has not been reported in the literature in individuals affected with CEP104-related conditions. This variant is present in population databases (rs139901107, gnomAD 0.002%). This sequence change replaces arginine, which is basic and polar, with cysteine, which is neutral and slightly polar, at codon 280 of the CEP104 protein (p.Arg280Cys). Algorithms developed to predict the effect of missense changes on protein structure and function (SIFT, PolyPhen-2, Align-GVGD) all suggest that this variant is likely to be disruptive. In summary, the available evidence is currently insufficient to determine the role of this variant in disease. Therefore, it has been classified as a Variant of Uncertain Significance.

NM_014704.4(CEP104):c.838C>T (p.Arg280Cys)

Gene: CEP104 (centrosomal protein 104; minus strand). Cytogenetic location: 1p36.32.
Variant type: single nucleotide variant.
Coding change: c.838C>T on transcript NM_014704.4 (MANE Select); coding-DNA position 838, C replaced by T.
Protein change: p.Arg280Cys; replaces arginine 280 with cysteine.
Molecular consequence: missense variant.
Genome position (GRCh38, 1-based): chr1:3,839,017, G>A on the plus strand (C>T on the coding strand, the complement: CEP104 is on the minus strand). VCF-style: chr1-3839017-G-A. GRCh37 (hg19) VCF-style: chr1-3755581-G-A.
Other names: short protein forms R280C.
Identifiers: ClinVar variation 2041302 (VCV002041302.3), dbSNP rs139901107, ClinGen allele CA551802.